The following is an entry in ClinVar:

NM_021942.6(TRAPPC11):c.407C>T (p.Ala136Val)

Gene: TRAPPC11 (trafficking protein particle complex subunit 11; plus strand). Cytogenetic location: 4q35.1.
Variant type: single nucleotide variant.
Coding change: c.407C>T on transcript NM_021942.6 (MANE Select); coding-DNA position 407, C replaced by T.
Protein change: p.Ala136Val; replaces alanine 136 with valine.
Molecular consequence: missense variant.
Genome position (GRCh38, 1-based): chr4:183,667,092, C>T. VCF-style: chr4-183667092-C-T. GRCh37 (hg19) VCF-style: chr4-184588245-C-T.
Other names: c.407C>T, p.Ala136Val (NM_199053.3); short protein forms A136V.
Identifiers: ClinVar variation 657745 (VCV000657745.9), dbSNP rs1472931579, ClinGen allele CA358859235.

ClinVar aggregate classification (germline): Uncertain significance (1 of 4 stars; one submission).

Conditions:
Autosomal recessive limb-girdle muscular dystrophy type R18 (LGMDR18). Also called: Limb-girdle muscular dystrophy, type 2S; MUSCULAR DYSTROPHY, LIMB-GIRDLE, AUTOSOMAL RECESSIVE 18; Autosomal recessive limb-girdle muscular dystrophy type 2S. Identifiers: Orphanet 369840, MedGen C4517996, MONDO:0014144, OMIM 615356.

Submission:

Labcorp Genetics (formerly Invitae), Labcorp
Classification: Uncertain significance for Autosomal recessive limb-girdle muscular dystrophy type R18. Last evaluated: 2018-08-08. Review status: criteria provided, single submitter. Criteria: Invitae Variant Classification Sherloc (09022015). Collection method: clinical testing. Allele origin: germline.
Comment: Algorithms developed to predict the effect of missense changes on protein structure and function (SIFT, PolyPhen-2, Align-GVGD) all suggest that this variant is likely to be tolerated, but these predictions have not been confirmed by published functional studies and their clinical significance is uncertain. In summary, the available evidence is currently insufficient to determine the role of this variant in disease. Therefore, it has been classified as a Variant of Uncertain Significance. This variant has not been reported in the literature in individuals with TRAPPC11-related disease. This variant is not present in population databases (ExAC no frequency). This sequence change replaces alanine with valine at codon 136 of the TRAPPC11 protein (p.Ala136Val). The alanine residue is highly conserved and there is a small physicochemical difference between alanine and valine.